The following is an entry in ClinVar:

NM_014159.7(SETD2):c.7242G>T (p.Gln2414His)

Gene: SETD2 (SET domain containing 2, histone lysine methyltransferase; minus strand). Cytogenetic location: 3p21.31.
Variant type: single nucleotide variant.
Coding change: c.7242G>T on transcript NM_014159.7 (MANE Select); coding-DNA position 7242, G replaced by T.
Protein change: p.Gln2414His; replaces glutamine 2414 with histidine.
Molecular consequence: missense variant. On other transcripts: non-coding transcript variant (1).
Genome position (GRCh38, 1-based): chr3:47,037,774, C>A on the plus strand (G>T on the coding strand, the complement: SETD2 is on the minus strand). VCF-style: chr3-47037774-C-A. GRCh37 (hg19) VCF-style: chr3-47079264-C-A.
Other names: c.7110G>T, p.Gln2370His (NM_001349370.3); short protein forms Q2370H, Q2414H.
Identifiers: ClinVar variation 2662253 (VCV002662253.1), dbSNP rs2545412843, ClinGen allele CA352512767.
Genomic context (GRCh38, chr3:47,037,774, plus strand): 5'-TTCATGCTCAAGGCTGGCATCATCTCCTGGGCTTTCCCAAGTAGGAGGATCCCACTGAGT[C>A]TGCCTAGAAAGAGACAAAAACAGCCATGCTGTCAGGGCTAGGAAACAGAGAATCCTGACA-3'
Protein context (NP_054878.5, residues 2404-2424): KIYYYHVITR[Gln2414His]TQWDPPTWES

ClinVar aggregate classification (germline): Uncertain significance (1 of 4 stars; one submission).

Submission:

GeneDx
Classification: Uncertain significance. Last evaluated: 2023-05-10. Review status: criteria provided, single submitter. Criteria: GeneDx Variant Classification Process June 2021. Collection method: clinical testing. Allele origin: germline. Affected: yes.
Comment: Not observed at significant frequency in large population cohorts (gnomAD); In silico analysis supports that this missense variant has a deleterious effect on protein structure/function; In silico analysis is inconclusive as to whether the variant alters gene splicing. In the absence of RNA/functional studies, the actual effect of this sequence change is unknown.; Has not been previously published as pathogenic or benign to our knowledge